The following is an entry in ClinVar:

ClinVar aggregate classification (germline): Uncertain significance (1 of 4 stars; one submission).

Conditions:
Inborn genetic diseases. Identifiers: MedGen C0950123, MeSH D030342.

Submission:

Ambry Genetics
Classification: Uncertain significance for Inborn genetic diseases. Last evaluated: 2019-09-06. Review status: criteria provided, single submitter. Criteria: Ambry Variant Classification Scheme 2023. Collection method: clinical testing. Allele origin: germline.
Comment: The c.574-3T>C intronic variant results from a T to C substitution 3 nucleotides upstream from coding exon 6 in the ATL1 gene. This nucleotide position is not well conserved in available vertebrate species. Using the BDGP and ESEfinder splice site prediction tools, this alteration is not predicted to have any significant effect on this splice acceptor/donor site; however, direct evidence is unavailable. Since supporting evidence is limited at this time, the clinical significance of this alteration remains unclear.

NM_015915.5(ATL1):c.574-3T>C

Gene: ATL1 (atlastin GTPase 1; plus strand). Cytogenetic location: 14q22.1.
Variant type: single nucleotide variant.
Coding change: c.574-3T>C on transcript NM_015915.5 (MANE Select); 3 bases into the intron before coding-DNA position 574, T replaced by C.
Molecular consequence: intron variant.
Genome position (GRCh38, 1-based): chr14:50,595,573, T>C. VCF-style: chr14-50595573-T-C. GRCh37 (hg19) VCF-style: chr14-51062291-T-C.
Other names: c.574-3T>C (NM_001127713.1, NM_181598.4).
Identifiers: ClinVar variation 1749401 (VCV001749401.2), dbSNP rs1595603387, ClinGen allele CA2136267924.